The following is an entry in ClinVar:

NM_018979.4(WNK1):c.3016C>T (p.Pro1006Ser)

Gene: WNK1 (WNK lysine deficient protein kinase 1; plus strand). Cytogenetic location: 12p13.33.
Variant type: single nucleotide variant.
Coding change: c.3016C>T on transcript NM_018979.4 (MANE Select); coding-DNA position 3016, C replaced by T.
Protein change: p.Pro1006Ser; replaces proline 1006 with serine.
Molecular consequence: missense variant. On other transcripts: intron variant (2).
Genome position (GRCh38, 1-based): chr12:880,904, C>T. VCF-style: chr12-880904-C-T. GRCh37 (hg19) VCF-style: chr12-990070-C-T.
Other names: c.3796C>T, p.Pro1266Ser (NM_001184985.2); c.3868-788C>T (NM_213655.5); c.2371-788C>T (NM_014823.3); short protein forms P1006S, P1266S.
Identifiers: ClinVar variation 310812 (VCV000310812.14), dbSNP rs186736970, ClinGen allele CA6382625.

ClinVar aggregate classification (germline): Benign/Likely benign. Review status: criteria provided, multiple submitters, no conflicts (2 of 4 stars). 2 submissions from 2 submitters: Benign (1); Likely benign (1). Last evaluated 2022-09-01.

Conditions:
Pseudohypoaldosteronism type 2C (PHA2C). Also called: Pseudohypoaldosteronism Type IIC. Identifiers: Orphanet 757, Orphanet 88940, MedGen C1840391, MONDO:0013778, OMIM 614492.
Neuropathy, hereditary sensory and autonomic, type 2A (HSAN2A). Also called: ACROOSTEOLYSIS, GIACCAI TYPE; ACROOSTEOLYSIS, NEUROGENIC; MORVAN DISEASE; NEUROPATHY, CONGENITAL SENSORY; NEUROPATHY, HEREDITARY SENSORY RADICULAR, AUTOSOMAL RECESSIVE; NEUROPATHY, HEREDITARY SENSORY, TYPE IIA. Identifiers: Orphanet 970, MedGen C2752089, MONDO:0024309, OMIM 201300.

Allele frequency attached by ClinVar (database versions not stated): 1000 Genomes Project 30x 0.00078; gnomAD exomes 0.00003 and 0.00020; gnomAD 0.00007; TOPMed 0.00012; ExAC 0.00017; 1000 Genomes Project 0.00060.
gnomAD v4.1: 57 of 1,614,124 alleles (0.0035%); highest among the groups gnomAD compares: East Asian, 0.12%; no homozygotes.

Submissions (2):

Labcorp Genetics (formerly Invitae), Labcorp
Classification: Likely benign for Neuropathy, hereditary sensory and autonomic, type 2A; Pseudohypoaldosteronism type 2C. Last evaluated: 2022-09-01. Review status: criteria provided, single submitter. Criteria: Invitae Variant Classification Sherloc (09022015). Collection method: clinical testing. Allele origin: germline.

Illumina Laboratory Services, Illumina
Classification: Benign for Pseudohypoaldosteronism type 2C. Last evaluated: 2018-01-13. Review status: criteria provided, single submitter. Criteria: ICSL Variant Classification Criteria 13 December 2019. Collection method: clinical testing. Allele origin: germline.
Comment: This variant was observed in the ICSL laboratory as part of a predisposition screen in an ostensibly healthy population. It had not been previously curated by ICSL or reported in the Human Gene Mutation Database (HGMD: prior to June 1st, 2018), and was therefore a candidate for classification through an automated scoring system. Utilizing variant allele frequency, disease prevalence and penetrance estimates, and inheritance mode, an automated score was calculated to assess if this variant is too frequent to cause the disease. Based on the score and internal cut-off values, a variant classified as benign is not then subjected to further curation. The score for this variant resulted in a classification of benign for this disease.